The following is an entry in ClinVar:

NM_006231.4(POLE):c.6330+19G>A

Gene: POLE (DNA polymerase epsilon, catalytic subunit; minus strand). Cytogenetic location: 12q24.33.
Variant type: single nucleotide variant.
Coding change: c.6330+19G>A on transcript NM_006231.4 (MANE Select); 19 bases into the intron after coding-DNA position 6330, G replaced by A.
Molecular consequence: intron variant.
Genome position (GRCh38, 1-based): chr12:132,632,296, C>T on the plus strand (G>A on the coding strand, the complement: POLE is on the minus strand). VCF-style: chr12-132632296-C-T. GRCh37 (hg19) VCF-style: chr12-133208882-C-T.
Identifiers: ClinVar variation 380224 (VCV000380224.26), dbSNP rs5745025, ClinGen allele CA6892217.
Genomic context (GRCh38, chr12:132,632,296, plus strand): 5'-TCACCTTGCACACAGTAACATTCTCGCCTTACACATGTACGTTAGTGTCCTCTCCTCACA[C>T]GCACGCTGGCACTCTCACCTTGCACACGTATTTGATGAACTCCAGGGCAGGGTTATTGAG-3'

ClinVar aggregate classification (germline): Benign. Review status: criteria provided, multiple submitters, no conflicts (2 of 4 stars). 7 submissions from 7 submitters: Benign (7). Last evaluated 2026-02-04.

Conditions:
Colorectal cancer, susceptibility to, 12 (CRCS12). Also called: COLORECTAL CANCER, SUSCEPTIBILITY TO, ON CHROMOSOME 12q24. Identifiers: Orphanet 220460, MedGen C3554460, MONDO:0014038, OMIM 615083.

Allele frequency attached by ClinVar (database versions not stated): ExAC 0.00425; gnomAD 0.01193 and 0.01268; TOPMed 0.01287; ESP Exome Variant Server 0.01399; 1000 Genomes Project 30x 0.01437; 1000 Genomes Project 0.01478.
gnomAD v4.1: 3,498 of 1,600,686 alleles (0.22%); highest among the groups gnomAD compares: African/African-American, 4.2%; 54 homozygotes.

Submissions (14):

Labcorp Genetics (formerly Invitae), Labcorp
Classification: Benign. Last evaluated: 2026-02-04. Review status: criteria provided, single submitter. Criteria: Invitae Variant Classification Sherloc (09022015). Collection method: clinical testing. Allele origin: germline.

Center for Genomic Medicine, Rigshospitalet, Copenhagen University Hospital
Classification: Benign. Last evaluated: 2025-03-04. Review status: criteria provided, single submitter. Criteria: ACMG Guidelines, 2015. Collection method: clinical testing. Allele origin: germline.

KCCC/NGS Laboratory, Kuwait Cancer Control Center
Classification: Benign for Colorectal cancer, susceptibility to, 12. Last evaluated: 2023-07-07. Review status: criteria provided, single submitter. Criteria: ACMG Guidelines, 2015. Collection method: clinical testing. Allele origin: germline. Affected: yes.

ARUP Laboratories, Molecular Genetics and Genomics, ARUP Laboratories
Classification: Benign. Last evaluated: 2020-04-17. Review status: criteria provided, single submitter. Criteria: ARUP Molecular Germline Variant Investigation Process. Collection method: clinical testing. Allele origin: germline.

PreventionGenetics, part of Exact Sciences
Classification: Benign. Last evaluated: 2016-12-06. Review status: criteria provided, single submitter. Criteria: ACMG Guidelines, 2015. Collection method: clinical testing. Allele origin: germline.

GeneDx
Classification: Benign. Last evaluated: 2015-11-17. Review status: criteria provided, single submitter. Criteria: GeneDx Variant Classification (06012015). Collection method: clinical testing. Allele origin: germline. Affected: yes.
Comment: This variant is considered likely benign or benign based on one or more of the following criteria: it is a conservative change, it occurs at a poorly conserved position in the protein, it is predicted to be benign by multiple in silico algorithms, and/or has population frequency not consistent with disease.

Breakthrough Genomics
Classification: Benign. Review status: criteria provided, single submitter. Criteria: ACMG Guidelines, 2015. Collection method: not provided. Allele origin: germline. Inheritance: Autosomal recessive inheritance. Affected: yes.

Dr. Peter K. Rogan Lab, Western University
No classification provided (evidence only). Condition: Lung cancer. Review status: no classification provided. Collection method: in vitro. Allele origin: not applicable. Functional consequence: retained intron. Not counted in ClinVar's aggregate classification.

Dr. Peter K. Rogan Lab, Western University
No classification provided (evidence only). Condition: Lung cancer. Review status: no classification provided. Collection method: in vitro. Allele origin: not applicable. Functional consequence: retained intron. Not counted in ClinVar's aggregate classification.

Dr. Peter K. Rogan Lab, Western University
No classification provided (evidence only). Condition: Acute myeloid leukemia. Review status: no classification provided. Collection method: in vitro. Allele origin: not applicable. Functional consequence: retained intron. Not counted in ClinVar's aggregate classification.

Dr. Peter K. Rogan Lab, Western University
No classification provided (evidence only). Condition: Acute myeloid leukemia. Review status: no classification provided. Collection method: in vitro. Allele origin: not applicable. Functional consequence: retained intron. Not counted in ClinVar's aggregate classification.

Dr. Peter K. Rogan Lab, Western University
No classification provided (evidence only). Condition: Uterine corpus endometrial carcinoma. Review status: no classification provided. Collection method: in vitro. Allele origin: not applicable. Functional consequence: retained intron. Not counted in ClinVar's aggregate classification.

Dr. Peter K. Rogan Lab, Western University
No classification provided (evidence only). Condition: Cervical cancer. Review status: no classification provided. Collection method: in vitro. Allele origin: not applicable. Functional consequence: retained intron. Not counted in ClinVar's aggregate classification.

Dr. Peter K. Rogan Lab, Western University
No classification provided (evidence only). Condition: Malignant tumor of esophagus. Review status: no classification provided. Collection method: in vitro. Allele origin: not applicable. Functional consequence: skipped exon. Not counted in ClinVar's aggregate classification.